The following is an entry in ClinVar:

NM_002497.4(NEK2):c.1317A>G (p.Arg439=)

Gene: NEK2 (NIMA related kinase 2; minus strand). Cytogenetic location: 1q32.3.
Variant type: single nucleotide variant.
Coding change: c.1317A>G on transcript NM_002497.4 (MANE Select); coding-DNA position 1317, A replaced by G.
Protein change: p.Arg439=; no amino-acid change (arginine 439 retained).
Molecular consequence: synonymous variant. On other transcripts: intron variant (1).
Genome position (GRCh38, 1-based): chr1:211,663,447, T>C on the plus strand (A>G on the coding strand, the complement: NEK2 is on the minus strand). VCF-style: chr1-211663447-T-C. GRCh37 (hg19) VCF-style: chr1-211836789-T-C.
Other names: c.1111+3659A>G (NM_001204182.2).
Identifiers: ClinVar variation 403226 (VCV000403226.15), dbSNP rs12031285, ClinGen allele CA1381457.

ClinVar aggregate classification (germline): Benign. Review status: criteria provided, multiple submitters, no conflicts (2 of 4 stars). 4 submissions from 4 submitters: Benign (4). Last evaluated 2026-02-04.

Conditions:
Retinal dystrophy. Also called: Inherited retinal dystrophy. Identifiers: Orphanet 71862, MedGen C0854723, MeSH D058499, MONDO:0019118, HP:0000556.

Allele frequency attached by ClinVar (database versions not stated): gnomAD exomes 0.24462 and 0.26848; ESP Exome Variant Server 0.27418; gnomAD 0.28496 and 0.28582; ExAC 0.28714; TOPMed 0.29215; 1000 Genomes Project 0.30950; 1000 Genomes Project 30x 0.31449.
gnomAD v4.1: 401,053 of 1,612,166 alleles (25%); highest among the groups gnomAD compares: African/African-American, 37%; 51,490 homozygotes.

Submissions (4):

Labcorp Genetics (formerly Invitae), Labcorp
Classification: Benign. Last evaluated: 2026-02-04. Review status: criteria provided, single submitter. Criteria: Invitae Variant Classification Sherloc (09022015). Collection method: clinical testing. Allele origin: germline.

Dept Of Ophthalmology, Nagoya University
Classification: Benign for Retinal dystrophy. Last evaluated: 2023-10-01. Review status: criteria provided, single submitter. Criteria: Submitter's publication. Collection method: research. Allele origin: germline. Affected: yes.

Laboratory for Molecular Medicine, Mass General Brigham Personalized Medicine
Classification: Benign. Last evaluated: 2016-03-28. Review status: criteria provided, single submitter. Criteria: LMM Criteria. Collection method: clinical testing. Allele origin: germline.
Comment: Variant identified in a genome or exome case(s) and assessed due to predicted null impact of the variant or pathogenic assertions in the literature or databases. Disclaimer: This variant has not undergone full assessment. The following are preliminary notes: Frequency

Breakthrough Genomics
Classification: Benign. Review status: criteria provided, single submitter. Criteria: ACMG Guidelines, 2015. Collection method: not provided. Allele origin: germline. Inheritance: Autosomal recessive inheritance. Affected: yes.